The following is an entry in ClinVar:

ClinVar aggregate classification (germline): Uncertain significance (1 of 4 stars; one submission).

Conditions:
Beckwith-Wiedemann syndrome (BWS). Also called: EMG SYNDROME; Exomphalos macroglossia gigantism syndrome. Identifiers: Orphanet 116, MedGen C0004903, MONDO:0007534, OMIM 130650.

Submission:

Labcorp Genetics (formerly Invitae), Labcorp
Classification: Uncertain significance for Beckwith-Wiedemann syndrome. Last evaluated: 2021-01-28. Review status: criteria provided, single submitter. Criteria: Invitae Variant Classification Sherloc (09022015). Collection method: clinical testing. Allele origin: germline.
Comment: In summary, the available evidence is currently insufficient to determine the role of this variant in disease. Therefore, it has been classified as a Variant of Uncertain Significance. Algorithms developed to predict the effect of missense changes on protein structure and function are either unavailable or do not agree on the potential impact of this missense change (SIFT: "Tolerated"; PolyPhen-2: "Not Available"; Align-GVGD: "Class C0"). This variant has not been reported in the literature in individuals with CDKN1C-related conditions. The frequency data for this variant in the population databases is considered unreliable, as metrics indicate insufficient coverage at this position in the ExAC database. This sequence change replaces proline with threonine at codon 164 of the CDKN1C protein (p.Pro164Thr). The proline residue is weakly conserved and there is a small physicochemical difference between proline and threonine.

NM_001122630.2(CDKN1C):c.457C>A (p.Pro153Thr)

Gene: CDKN1C (cyclin dependent kinase inhibitor 1C; minus strand). Cytogenetic location: 11p15.4.
Variant type: single nucleotide variant.
Coding change: c.457C>A on transcript NM_001122630.2 (MANE Select); coding-DNA position 457, C replaced by A.
Protein change: p.Pro153Thr; replaces proline 153 with threonine.
Molecular consequence: missense variant. On other transcripts: intron variant (1).
Genome position (GRCh38, 1-based): chr11:2,885,000, G>T on the plus strand (C>A on the coding strand, the complement: CDKN1C is on the minus strand). VCF-style: chr11-2885000-G-T. GRCh37 (hg19) VCF-style: chr11-2906230-G-T.
Other names: c.490C>A, p.Pro164Thr (NM_000076.2, NM_001362474.2); c.457C>A, p.Pro153Thr (NM_001122631.2); c.255+202C>A (NM_001362475.2); short protein forms P153T, P164T.
Identifiers: ClinVar variation 1502519 (VCV001502519.8), dbSNP rs1323691763, ClinGen allele CA379146598.
Genomic context (GRCh38, chr11:2,885,000, plus strand): 5'-GGGCCGGGGCCGGGGCCAGGACCGCGACCGCGACCGGAGCCGCGACCGGAGCCGCGACCG[G>T]AGCCGGAGCCGGGGCCGGGGCTGGAGCCAGGACCGGGACTGGGGGCGGGGTGGACGCCGG-3'
Protein context (NP_001116102.1, residues 143-163): LAPAPAPAPA[Pro153Thr]VAAPVAAPVA